The following is an entry in ClinVar:

ClinVar aggregate classification (germline): Benign/Likely benign. Review status: criteria provided, multiple submitters, no conflicts (2 of 4 stars). 11 submissions from 11 submitters: Benign (5); Likely benign (5). 1 of the submissions does not count toward it. Last evaluated 2026-09-01.

Conditions:
KCNQ1-related disorder. Also called: KCNQ1-related disorders; KCNQ1-related condition. Identifiers: MedGen CN239322.
Cardiovascular phenotype. Identifiers: MedGen CN230736.
Cardiac arrhythmia. Also called: Cardiac rhythm disease; Arrhythmia. Identifiers: MedGen C0003811, MONDO:0007263, HP:0011675.
Long QT syndrome (LQTS). Identifiers: MedGen C0023976, MeSH D008133, MONDO:0002442. Disease mechanism: loss of function. Inheritance: Various modes of inheritance.

Allele frequency attached by ClinVar (database versions not stated): gnomAD 0.00038 and 0.00048; ESP Exome Variant Server 0.00054; TOPMed 0.00059; gnomAD exomes 0.00073 and 0.00076; ExAC 0.00123; 1000 Genomes Project 0.00200; 1000 Genomes Project 30x 0.00203.
gnomAD v4.1: 1,126 of 1,568,614 alleles (0.072%); highest among the groups gnomAD compares: East Asian, 0.19%; 3 homozygotes.

Submissions (11):

CeGaT Center for Human Genetics Tuebingen
Classification: Likely benign. Last evaluated: 2026-09-01. Review status: criteria provided, single submitter. Criteria: CeGaT Center For Human Genetics Tuebingen Variant Classification Criteria Version 2. Collection method: clinical testing. Allele origin: germline. Affected: yes. Observed: 9 variant alleles.
Comment: KCNQ1: BP4, BP7

Labcorp Genetics (formerly Invitae), Labcorp
Classification: Benign for Long QT syndrome. Last evaluated: 2026-01-31. Review status: criteria provided, single submitter. Criteria: Invitae Variant Classification Sherloc (09022015). Collection method: clinical testing. Allele origin: germline.

Molecular Diagnostic Laboratory for Inherited Cardiovascular Disease, Montreal Heart Institute
Classification: Likely benign. Last evaluated: 2025-04-09. Review status: criteria provided, single submitter. Criteria: ACMG Guidelines, 2015. Collection method: clinical testing. Allele origin: germline. Affected: no.
Comment: BS1;BP6;BP7

Blueprint Genetics
Classification: Likely benign. Last evaluated: 2024-09-07. Review status: criteria provided, single submitter. Criteria: ACMG Guidelines, 2015. Collection method: clinical testing. Allele origin: germline.

ARUP Laboratories, Molecular Genetics and Genomics, ARUP Laboratories
Classification: Benign. Last evaluated: 2024-04-12. Review status: criteria provided, single submitter. Criteria: ARUP Molecular Germline Variant Investigation Process 2024. Collection method: clinical testing. Allele origin: germline.

All of Us Research Program, National Institutes of Health
Classification: Benign for Long QT syndrome. Last evaluated: 2024-02-05. Review status: criteria provided, single submitter. Criteria: ACMG Guidelines, 2015. Collection method: clinical testing. Allele origin: germline. Inheritance: Autosomal dominant inheritance. Observed: 139 variant alleles, 139 heterozygotes.
Comment: This study involves interpretation of variants in research participants for the purpose of population health screening. Participant phenotype was not available at the time of variant classification. Additional details can be found in publication PMID: 35346344, PMCID: PMC8962531

Color Diagnostics, LLC DBA Color Health
Classification: Benign for Arrhythmia. Last evaluated: 2018-04-10. Review status: criteria provided, single submitter. Criteria: ACMG Guidelines, 2015. Collection method: clinical testing. Allele origin: germline.

Laboratory for Molecular Medicine, Mass General Brigham Personalized Medicine
Classification: Likely benign. Last evaluated: 2017-12-14. Review status: criteria provided, single submitter. Criteria: LMM Criteria. Collection method: clinical testing. Allele origin: germline. Observed: 3 variant alleles.
Comment: p.His620His in Exon 16 of KCNQ1: This variant is not expected to have clinical s ignificance because it does not alter an amino acid residue, is not located with in the splice consensus sequence, and has been identified in several populations with the highest frequency of 0.23% (33/13990) of East Asian chromosomes by the Genome Aggregation Database (gnomAD; dbSNP rs 139893266).

Ambry Genetics
Classification: Likely benign for Cardiovascular phenotype. Last evaluated: 2016-06-24. Review status: criteria provided, single submitter. Criteria: Ambry Variant Classification Scheme 2023. Collection method: clinical testing. Allele origin: germline.

GeneDx
Classification: Benign. Last evaluated: 2013-01-31. Review status: criteria provided, single submitter. Criteria: GeneDx Variant Classification (06012015). Collection method: clinical testing. Allele origin: germline. Affected: yes.
Comment: This variant is considered likely benign or benign based on one or more of the following criteria: it is a conservative change, it occurs at a poorly conserved position in the protein, it is predicted to be benign by multiple in silico algorithms, and/or has population frequency not consistent with disease.

PreventionGenetics, part of Exact Sciences
Classification: Likely benign for KCNQ1-related condition. Last evaluated: 2019-11-19. Review status: no assertion criteria provided. Collection method: clinical testing. Allele origin: germline. Not counted in ClinVar's aggregate classification.
Comment: This variant is classified as likely benign based on ACMG/AMP sequence variant interpretation guidelines (Richards et al. 2015 PMID: 25741868, with internal and published modifications).

NM_000218.3(KCNQ1):c.1860C>T (p.His620=)

Genes: KCNQ1 (potassium voltage-gated channel subfamily Q member 1; plus strand), KCNQ1-AS1 (KCNQ1 antisense RNA 1; minus strand). Cytogenetic location: 11p15.4.
Variant type: single nucleotide variant.
Coding change: c.1860C>T on transcript NM_000218.3 (MANE Select); coding-DNA position 1860, C replaced by T.
Protein change: p.His620=; no amino-acid change (histidine 620 retained).
Molecular consequence: synonymous variant.
Genome position (GRCh38, 1-based): chr11:2,847,832, C>T. VCF-style: chr11-2847832-C-T. GRCh37 (hg19) VCF-style: chr11-2869062-C-T.
Other names: p.H620H:CAC>CAT; c.1764C>T, p.His588= (NM_001406836.1); c.1590C>T, p.His530= (NM_001406837.1); c.1320C>T, p.His440= (NM_001406838.1); c.372C>T, p.His124= (NM_001406839.1); c.1479C>T, p.His493= (NM_181798.2).
Identifiers: ClinVar variation 138007 (VCV000138007.74), dbSNP rs139893266, ClinGen allele CA006519.
Genomic context (GRCh38, chr11:2,847,832, plus strand): 5'-GCAGCTGGACCAGAGGCTGGCACTCATCACCGACATGCTTCACCAGCTGCTCTCCTTGCA[C>T]GGTGGCAGCACCCCCGGCAGCGGCGGCCCCCCCAGAGAGGGCGGGGCCCACATCACCCAG-3'
Protein context (NP_000209.2, residues 610-630): TDMLHQLLSL[His620=]GGSTPGSGGP